The following is an entry in ClinVar:

NM_172250.3(MMAA):c.915A>G (p.Glu305=)

Gene: MMAA (metabolism of cobalamin associated A; plus strand). Cytogenetic location: 4q31.21.
Variant type: single nucleotide variant.
Coding change: c.915A>G on transcript NM_172250.3 (MANE Select); coding-DNA position 915, A replaced by G.
Protein change: p.Glu305=; no amino-acid change (glutamic acid 305 retained).
Molecular consequence: synonymous variant.
Genome position (GRCh38, 1-based): chr4:145,654,089, A>G. VCF-style: chr4-145654089-A-G. GRCh37 (hg19) VCF-style: chr4-146575241-A-G.
Other names: c.915A>G, p.Glu305= (NM_001375644.1).
Identifiers: ClinVar variation 3054049 (VCV003054049.2), dbSNP rs1023064586, ClinGen allele CA107682339.
Genomic context (GRCh38, chr4:145,654,089, plus strand): 5'-GGTAGCTGTAACTAAATCTGATGGAGACTTGATTGTGCCAGCTCGAAGGATACAAGCGGA[A>G]TATGTGAGTGCACTGAAATTACTCCGCAAACGTTCACAAGTCTGGAAACCAAAGGTAAGC-3'
Protein context (NP_758454.1, residues 295-315): LIVPARRIQA[Glu305=]YVSALKLLRK

ClinVar aggregate classification (germline): Likely benign (0 of 4 stars; one submission).

Conditions:
MMAA-related disorder. Also called: MMAA-related condition.

Allele frequency attached by ClinVar (database versions not stated): TOPMed 0.00001.

Submission:

PreventionGenetics, part of Exact Sciences
Classification: Likely benign for MMAA-related condition. Last evaluated: 2023-07-13. Review status: no assertion criteria provided. Collection method: clinical testing. Allele origin: germline.
Comment: This variant is classified as likely benign based on ACMG/AMP sequence variant interpretation guidelines (Richards et al. 2015 PMID: 25741868, with internal and published modifications).